The following is an entry in ClinVar:

ClinVar aggregate classification (germline): Uncertain significance. Review status: criteria provided, multiple submitters, no conflicts (2 of 4 stars). 3 submissions from 3 submitters: Uncertain significance (3). Last evaluated 2025-12-01.

Conditions:
Long QT syndrome 11 (LQT11). Identifiers: Orphanet 101016, Orphanet 768, MedGen C2678483, MONDO:0012738, OMIM 611820.
Cardiovascular phenotype. Identifiers: MedGen CN230736.
Long QT syndrome (LQTS). Identifiers: MedGen C0023976, MeSH D008133, MONDO:0002442. Disease mechanism: loss of function. Inheritance: Various modes of inheritance.

Allele frequency attached by ClinVar (database versions not stated): TOPMed below 0.00001; ExAC 0.00001; gnomAD 0.00001; gnomAD exomes 0.00001.
gnomAD v4.1: 36 of 1,613,152 alleles (0.0022%); highest among the groups gnomAD compares: Non-Finnish European, 0.003%; no homozygotes.

Submissions (3):

Labcorp Genetics (formerly Invitae), Labcorp
Classification: Uncertain significance for Long QT syndrome. Last evaluated: 2025-12-01. Review status: criteria provided, single submitter. Criteria: Invitae Variant Classification Sherloc (09022015). Collection method: clinical testing. Allele origin: germline.
Comment: This sequence change replaces aspartic acid, which is acidic and polar, with alanine, which is neutral and non-polar, at codon 1395 of the AKAP9 protein (p.Asp1395Ala). This variant is present in population databases (rs774408420, gnomAD 0.003%). This variant has not been reported in the literature in individuals affected with AKAP9-related conditions. ClinVar contains an entry for this variant (Variation ID: 1448239). An algorithm developed to predict the effect of missense changes on protein structure and function outputs the following: PolyPhen-2: "Benign". The alanine amino acid residue is found in multiple mammalian species, which suggests that this missense change does not adversely affect protein function. In summary, the available evidence is currently insufficient to determine the role of this variant in disease. Therefore, it has been classified as a Variant of Uncertain Significance.

Ambry Genetics
Classification: Uncertain significance for Cardiovascular phenotype. Last evaluated: 2025-06-01. Review status: criteria provided, single submitter. Criteria: Ambry Variant Classification Scheme 2023. Collection method: clinical testing. Allele origin: germline.
Comment: The p.D1395A variant (also known as c.4184A>C), located in coding exon 15 of the AKAP9 gene, results from an A to C substitution at nucleotide position 4184. The aspartic acid at codon 1395 is replaced by alanine, an amino acid with dissimilar properties. This amino acid position is well conserved in available vertebrate species; however, alanine is the reference amino acid in other vertebrate species. In addition, this alteration is predicted to be tolerated by in silico analysis. Since supporting evidence is limited at this time, the clinical significance of this alteration remains unclear.

Fulgent Genetics
Classification: Uncertain significance for Long QT syndrome 11. Last evaluated: 2021-09-21. Review status: criteria provided, single submitter. Criteria: ACMG Guidelines, 2015. Collection method: clinical testing. Allele origin: unknown.

NM_005751.5(AKAP9):c.4184A>C (p.Asp1395Ala)

Gene: AKAP9 (A-kinase anchoring protein 9; plus strand). Cytogenetic location: 7q21.2.
Variant type: single nucleotide variant.
Coding change: c.4184A>C on transcript NM_005751.5 (MANE Select); coding-DNA position 4184, A replaced by C.
Protein change: p.Asp1395Ala; replaces aspartic acid 1395 with alanine.
Molecular consequence: missense variant.
Genome position (GRCh38, 1-based): chr7:92,029,930, A>C. VCF-style: chr7-92029930-A-C. GRCh37 (hg19) VCF-style: chr7-91659244-A-C.
Other names: c.4184A>C, p.Asp1395Ala (NM_147185.3); short protein forms D1395A.
Identifiers: ClinVar variation 1448239 (VCV001448239.13), dbSNP rs774408420, ClinGen allele CA4336502.